The following is an entry in ClinVar:

ClinVar aggregate classification (germline): Uncertain significance. Review status: criteria provided, multiple submitters, no conflicts (2 of 4 stars). 2 submissions from 2 submitters: Uncertain significance (2). Last evaluated 2022-02-03.

Allele frequency attached by ClinVar (database versions not stated): gnomAD exomes below 0.00001; gnomAD 0.00001 and 0.00002; TOPMed 0.00002.

Submissions (2):

Ambry Genetics
Classification: Uncertain significance. Last evaluated: 2022-02-03. Review status: criteria provided, single submitter. Criteria: Ambry Variant Classification Scheme 2023. Collection method: clinical testing. Allele origin: germline.

Labcorp Genetics (formerly Invitae), Labcorp
Classification: Uncertain significance. Last evaluated: 2021-08-30. Review status: criteria provided, single submitter. Criteria: Invitae Variant Classification Sherloc (09022015). Collection method: clinical testing. Allele origin: germline.
Comment: This sequence change replaces proline with leucine at codon 411 of the LRRC56 protein (p.Pro411Leu). The proline residue is weakly conserved and there is a moderate physicochemical difference between proline and leucine. This variant is not present in population databases (ExAC no frequency). This variant has not been reported in the literature in individuals affected with LRRC56-related conditions. Algorithms developed to predict the effect of missense changes on protein structure and function output the following: SIFT: "Deleterious"; PolyPhen-2: "Benign"; Align-GVGD: "Class C0". The leucine amino acid residue is found in multiple mammalian species, which suggests that this missense change does not adversely affect protein function. In summary, the available evidence is currently insufficient to determine the role of this variant in disease. Therefore, it has been classified as a Variant of Uncertain Significance.

NM_198075.4(LRRC56):c.1232C>T (p.Pro411Leu)

Gene: LRRC56 (leucine rich repeat containing 56; plus strand). Cytogenetic location: 11p15.5.
Variant type: single nucleotide variant.
Coding change: c.1232C>T on transcript NM_198075.4 (MANE Select); coding-DNA position 1232, C replaced by T.
Protein change: p.Pro411Leu; replaces proline 411 with leucine.
Molecular consequence: missense variant.
Genome position (GRCh38, 1-based): chr11:552,619, C>T. VCF-style: chr11-552619-C-T. GRCh37 (hg19) VCF-style: chr11-552619-C-T.
Other names: c.1232C>T (NM_198075.3); short protein forms P411L.
Identifiers: ClinVar variation 1349287 (VCV001349287.6), dbSNP rs760126599, ClinGen allele CA216897427.
Genomic context (GRCh38, chr11:552,619, plus strand): 5'-CCCACCCTAGCCCCCTCCCCTATAGGCACCCGGAGTCCCAACAGGAAGGGGCTGTAGCCC[C>T]CTGGGGCCCACGGAGGGTCCCTGAAGAGCAAGTGCACCAGGCAGAGCCCAAGACTCCCTC-3'
Protein context (NP_932341.1, residues 401-421): PESQQEGAVA[Pro411Leu]WGPRRVPEEQ